The following is an entry in ClinVar:

ClinVar aggregate classification (germline): Uncertain significance. Review status: criteria provided, multiple submitters, no conflicts (2 of 4 stars). 2 submissions from 2 submitters: Uncertain significance (2). Last evaluated 2025-03-13.

Conditions:
Inborn genetic diseases. Identifiers: MedGen C0950123, MeSH D030342.

Allele frequency attached by ClinVar (database versions not stated): gnomAD 0.00001; gnomAD exomes 0.00001; TOPMed 0.00001; ExAC 0.00002.

Submissions (2):

Labcorp Genetics (formerly Invitae), Labcorp
Classification: Uncertain significance. Last evaluated: 2025-03-13. Review status: criteria provided, single submitter. Criteria: Invitae Variant Classification Sherloc (09022015). Collection method: clinical testing. Allele origin: germline.
Comment: This sequence change replaces leucine, which is neutral and non-polar, with phenylalanine, which is neutral and non-polar, at codon 459 of the TMC1 protein (p.Leu459Phe). This variant is present in population databases (rs751594947, gnomAD 0.01%). This variant has not been reported in the literature in individuals affected with TMC1-related conditions. ClinVar contains an entry for this variant (Variation ID: 2218543). Invitae Evidence Modeling of protein sequence and biophysical properties (such as structural, functional, and spatial information, amino acid conservation, physicochemical variation, residue mobility, and thermodynamic stability) indicates that this missense variant is not expected to disrupt TMC1 protein function with a negative predictive value of 80%. In summary, the available evidence is currently insufficient to determine the role of this variant in disease. Therefore, it has been classified as a Variant of Uncertain Significance.

Ambry Genetics
Classification: Uncertain significance for Inborn genetic diseases. Last evaluated: 2021-08-17. Review status: criteria provided, single submitter. Criteria: Ambry Variant Classification Scheme 2023. Collection method: clinical testing. Allele origin: germline.

NM_138691.3(TMC1):c.1375C>T (p.Leu459Phe)

Gene: TMC1 (transmembrane channel like 1; plus strand). Cytogenetic location: 9q21.13.
Variant type: single nucleotide variant.
Coding change: c.1375C>T on transcript NM_138691.3 (MANE Select); coding-DNA position 1375, C replaced by T.
Protein change: p.Leu459Phe; replaces leucine 459 with phenylalanine.
Molecular consequence: missense variant.
Genome position (GRCh38, 1-based): chr9:72,792,036, C>T. VCF-style: chr9-72792036-C-T. GRCh37 (hg19) VCF-style: chr9-75406952-C-T.
Other names: short protein forms L459F.
Identifiers: ClinVar variation 2218543 (VCV002218543.3), dbSNP rs751594947, ClinGen allele CA5081933.
Genomic context (GRCh38, chr9:72,792,036, plus strand): 5'-TTGAAATGGCTACTGGGACGCATTTTTGCTCTTCTTTTAGGCAATTTATACGTATTTATT[C>T]TTGCATTAATGGATGAGATTAACAACAAGGTAAGCCTTGTTTCTGGATTGTCCTTGCCAT-3'
Protein context (NP_619636.2, residues 449-469): LLLGNLYVFI[Leu459Phe]ALMDEINNKI